The following is an entry in ClinVar:

ClinVar aggregate classification (germline): Uncertain significance (1 of 4 stars; one submission).

Conditions:
Inborn genetic diseases. Identifiers: MedGen C0950123, MeSH D030342.

Submission:

Ambry Genetics
Classification: Uncertain significance for Inborn genetic diseases. Last evaluated: 2025-04-05. Review status: criteria provided, single submitter. Criteria: Ambry Variant Classification Scheme 2023. Collection method: clinical testing. Allele origin: germline.
Comment: The p.S185G variant (also known as c.553A>G), located in coding exon 5 of the BMPR2 gene, results from an A to G substitution at nucleotide position 553. The serine at codon 185 is replaced by glycine, an amino acid with similar properties. This amino acid position is conserved. In addition, the in silico prediction for this alteration is inconclusive. Based on the available evidence, the clinical significance of this variant remains unclear.

NM_001204.7(BMPR2):c.553A>G (p.Ser185Gly)

Gene: BMPR2 (bone morphogenetic protein receptor type 2; plus strand). Cytogenetic location: 2q33.2.
Variant type: single nucleotide variant.
Coding change: c.553A>G on transcript NM_001204.7 (MANE Select); coding-DNA position 553, A replaced by G.
Protein change: p.Ser185Gly; replaces serine 185 with glycine.
Molecular consequence: missense variant.
Genome position (GRCh38, 1-based): chr2:202,514,911, A>G. VCF-style: chr2-202514911-A-G. GRCh37 (hg19) VCF-style: chr2-203379634-A-G.
Other names: short protein forms S185G.
Identifiers: ClinVar variation 3992097 (VCV003992097.1).